The following is an entry in ClinVar:

ClinVar aggregate classification (germline): Likely benign (1 of 4 stars; one submission).

Submission:

Center for Pediatric Genomic Medicine, Children's Mercy Hospital and Clinics
Classification: Likely benign. Last evaluated: 2015-08-12. Review status: criteria provided, single submitter. Criteria: ACMG Guidelines, 2015. Collection method: clinical testing. Allele origin: germline.
ClinVar note: Converted during submission from Likely Benign to Likely benign.

NC_012920.1(MT-ND5):m.12681T>C (p.Asn115=)

Gene: MT-ND5 (mitochondrially encoded NADH dehydrogenase 5; plus strand).
Variant type: single nucleotide variant.
Genome position: chrM-12681-T-C.
Identifiers: ClinVar variation 235613 (VCV000235613.3), dbSNP rs878853080, ClinGen allele CA10581375.
Genomic context (GRCh38, chrMT:12,681, plus strand): 5'-CGTTACATGGTCCATCATAGAATTCTCACTGTGATATATAAACTCAGACCCAAACATTAA[T>C]CAGTTCTTCAAATATCTACTCATCTTCCTAATTACCATACTAATCTTAGTTACCGCTAAC-3'